The following is an entry in ClinVar:

NM_003482.4(KMT2D):c.7022_7027dup (p.Gln2341_Ser2342dup)

Gene: KMT2D (lysine methyltransferase 2D; minus strand). Cytogenetic location: 12q13.12.
Variant type: Duplication.
Coding change: c.7022_7027dup on transcript NM_003482.4 (MANE Select); coding-DNA positions 7022 to 7027, 6 bases duplicated (AGAGCC; older notation c.7022_7027dupAGAGCC).
Protein change: p.Gln2341_Ser2342dup.
Molecular consequence: inframe insertion.
Genome position (GRCh38, 1-based): chr12:49,040,743-49,040,748, GGCTCT duplicated on the plus strand (AGAGCC on the coding strand, the reverse complement: KMT2D is on the minus strand); duplicating any 6 consecutive bases within chr12:49,040,743-49,040,750 gives the same sequence; the c. name uses the placement nearest the transcript's 3' end. VCF-style (leftmost placement, unchanged base first): chr12-49040742-G-GGGCTCT. GRCh37 (hg19) VCF-style: chr12-49434525-G-GGGCTCT.
Other names: c.7022_7027dupAGAGCC (NM_003482.3).
Identifiers: ClinVar variation 1398108 (VCV001398108.9), dbSNP rs1299727171, ClinGen allele CA605233746.

ClinVar aggregate classification (germline): Uncertain significance. Review status: criteria provided, multiple submitters, no conflicts (2 of 4 stars). 2 submissions from 2 submitters: Uncertain significance (2). Last evaluated 2025-02-19.

Conditions:
Inborn genetic diseases. Identifiers: MedGen C0950123, MeSH D030342.
Kabuki syndrome. Also called: Kabuki make-up syndrome; NIIKAWA-KUROKI SYNDROME. Identifiers: Orphanet 2322, MedGen C0796004, MONDO:0016512.

Submissions (2):

Ambry Genetics
Classification: Uncertain significance for Inborn genetic diseases. Last evaluated: 2025-02-19. Review status: criteria provided, single submitter. Criteria: Ambry Variant Classification Scheme 2023. Collection method: clinical testing. Allele origin: germline.
Comment: The c.7022_7027dupAGAGCC (p.Q2341_S2342dup) alteration is located in exon 31 (coding exon 31) of the KMT2D gene. The alteration consists of an in-frame duplication of 6 nucleotides from position 7022 to 7027, resulting in the duplication of 2 residues. Based on insufficient or conflicting evidence, the clinical significance of this alteration remains unclear.

Labcorp Genetics (formerly Invitae), Labcorp
Classification: Uncertain significance for Kabuki syndrome. Last evaluated: 2024-01-02. Review status: criteria provided, single submitter. Criteria: Invitae Variant Classification Sherloc (09022015). Collection method: clinical testing. Allele origin: germline.
Comment: This variant, c.7022_7027dup, results in the insertion of 2 amino acid(s) of the KMT2D protein (p.Gln2341_Ser2342dup), but otherwise preserves the integrity of the reading frame. This variant is present in population databases (no rsID available, gnomAD 0.002%). This variant has not been reported in the literature in individuals affected with KMT2D-related conditions. ClinVar contains an entry for this variant (Variation ID: 1398108). Experimental studies and prediction algorithms are not available or were not evaluated, and the functional significance of this variant is currently unknown. In summary, the available evidence is currently insufficient to determine the role of this variant in disease. Therefore, it has been classified as a Variant of Uncertain Significance.